The following is an entry in ClinVar:

NM_000091.5(COL4A3):c.2782_2797del (p.Gly928fs)

Genes: COL4A3 (collagen type IV alpha 3 chain; plus strand), MFF-DT (MFF divergent transcript; minus strand). Cytogenetic location: 2q36.3.
Variant type: Deletion.
Coding change: c.2782_2797del on transcript NM_000091.5 (MANE Select); coding-DNA positions 2782 to 2797, 16 bases deleted (GGAACCCCAGGAGCCA).
Protein change: p.Gly928fs; shifts the reading frame from glycine 928.
Molecular consequence: frameshift variant.
Genome position (GRCh38, 1-based): chr2:227,284,246-227,284,261, GGAACCCCAGGAGCCA deleted; deleting any 16 consecutive bases within chr2:227,284,245-227,284,261 gives the same sequence; the c. name uses the placement nearest the transcript's 3' end. VCF-style (leftmost placement, unchanged base first): chr2-227284244-GAGGAACCCCAGGAGCC-G. GRCh37 (hg19) VCF-style: chr2-228148960-GAGGAACCCCAGGAGCC-G.
Other names: short protein forms G928fs.
Identifiers: ClinVar variation 2862654 (VCV002862654.3), dbSNP rs2469783874, ClinGen allele CA2739279425.

ClinVar aggregate classification (germline): Pathogenic (1 of 4 stars; one submission).

Submission:

Labcorp Genetics (formerly Invitae), Labcorp
Classification: Pathogenic. Last evaluated: 2023-05-08. Review status: criteria provided, single submitter. Criteria: Invitae Variant Classification Sherloc (09022015). Collection method: clinical testing. Allele origin: germline.
Comment: For these reasons, this variant has been classified as Pathogenic. Algorithms developed to predict the effect of sequence changes on RNA splicing suggest that this variant may disrupt the consensus splice site. This variant has not been reported in the literature in individuals affected with COL4A3-related conditions. This variant is not present in population databases (gnomAD no frequency). This sequence change creates a premature translational stop signal (p.Gly928Argfs*18) in the COL4A3 gene. It is expected to result in an absent or disrupted protein product. Loss-of-function variants in COL4A3 are known to be pathogenic (PMID: 8956999, 24854265, 26809805, 27281700).

Literature cited by the submitters: PubMed 8956999; PubMed 24854265; PubMed 26809805; PubMed 27281700.